The following is an entry in ClinVar:

NM_006579.3(EBP):c.684GAA[1] (p.Lys229del)

Gene: EBP (EBP cholestenol delta-isomerase; plus strand). Cytogenetic location: Xp11.23.
Variant type: Microsatellite.
Coding change: c.684GAA[1] on transcript NM_006579.3 (MANE Select); one copy of the 3-base unit GAA starting at c.684; the reference has two copies in a row; one copy, 3 bases deleted.
Protein change: p.Lys229del; deletes lysine 229.
Molecular consequence: inframe deletion.
Genome position (GRCh38, 1-based): chrX:48,528,451-48,528,453, GAA deleted; deleting any 3 consecutive bases within chrX:48,528,446-48,528,453 gives the same sequence; the position shown is the placement nearest the transcript's 3' end. VCF-style (leftmost placement, unchanged base first): chrX-48528445-CAAG-C. GRCh37 (hg19) VCF-style: chrX-48386833-CAAG-C.
Other names: short protein forms K229del.
Identifiers: ClinVar variation 158554 (VCV000158554.10), dbSNP rs587783620, ClinGen allele CA271486.

ClinVar aggregate classification (germline): Uncertain significance. Review status: criteria provided, multiple submitters, no conflicts (2 of 4 stars). 2 submissions from 2 submitters: Uncertain significance (2). Last evaluated 2022-09-01.

Conditions:
Chondrodysplasia punctata 2 X-linked dominant (CDPX2). Also called: Hunermann-Conradi Syndrome; CONRADI-HUNERMANN-HAPPLE SYNDROME; HAPPLE SYNDROME; EBP-Related X-Linked Chondrodysplasia Punctata. Identifiers: Orphanet 35173, MedGen C0282102, MONDO:0020603, OMIM 302960.

Submissions (2):

Labcorp Genetics (formerly Invitae), Labcorp
Classification: Uncertain significance. Last evaluated: 2022-09-01. Review status: criteria provided, single submitter. Criteria: Invitae Variant Classification Sherloc (09022015). Collection method: clinical testing. Allele origin: germline.
Comment: In summary, the available evidence is currently insufficient to determine the role of this variant in disease. Therefore, it has been classified as a Variant of Uncertain Significance. Experimental studies and prediction algorithms are not available or were not evaluated, and the functional significance of this variant is currently unknown. ClinVar contains an entry for this variant (Variation ID: 158554). This variant, c.687_689del, results in the deletion of 1 amino acid(s) of the EBP protein (p.Lys229del), but otherwise preserves the integrity of the reading frame. This variant is not present in population databases (gnomAD no frequency). This variant has not been reported in the literature in individuals affected with EBP-related conditions.

Genetic Services Laboratory, University of Chicago
Classification: Uncertain significance for Chondrodysplasia punctata, X-linked dominant. Last evaluated: 2013-02-08. Review status: criteria provided, single submitter. Criteria: ACMG Guidelines, 2007. Collection method: clinical testing. Allele origin: germline. Inheritance: X-linked inheritance.